The following is an entry in ClinVar:

ClinVar aggregate classification (germline): Uncertain significance (1 of 4 stars; one submission).

Conditions:
Nemaline myopathy 2 (NEM2). Also called: Nemaline myopathy 2, autosomal recessive. Identifiers: MedGen C1850569, MONDO:0009725, OMIM 256030.

Submission:

Otogenetics
Classification: Uncertain significance for Nemaline myopathy 2. Last evaluated: 2025-07-29. Review status: criteria provided, single submitter. Criteria: ACMG Guidelines, 2015. Collection method: clinical testing. Allele origin: germline. Affected: no.
Comment: PM2: Variant not observed in gnomAD (<0.22% threshold); PM4: Protein length changes due to in-frame deletion/insertion in a non-repeat region

NM_001164508.2(NEB):c.24773_24780delinsTA (p.Tyr8258_Asp8260delinsLeu)

Genes: NEB (nebulin; minus strand), RIF1 (replication timing regulatory factor 1; plus strand). Cytogenetic location: 2q23.3.
Variant type: Indel.
Coding change: c.24773_24780delinsTA on transcript NM_001164508.2 (MANE Select); coding-DNA positions 24773 to 24780, ATTCTGAT replaced by TA.
Protein change: p.Tyr8258_Asp8260delinsLeu.
Molecular consequence: inframe indel.
Genome position (GRCh38, 1-based): chr2:151,492,480-151,492,487, ATCAGAAT replaced by TA on the plus strand (ATTCTGAT replaced by TA on the coding strand, the reverse complement: NEB is on the minus strand). VCF-style: chr2-151492480-ATCAGAAT-TA. GRCh37 (hg19) VCF-style: chr2-152348994-ATCAGAAT-TA.
Other names: c.24773_24780delinsTA, p.Tyr8258_Asp8260delinsLeu (NM_001164507.2); c.24878_24885delinsTA, p.Tyr8293_Asp8295delinsLeu (NM_001271208.2); c.19205_19212delinsTA, p.Tyr6402_Asp6404delinsLeu (NM_004543.5); c.24877_24885delinsTTA (NM_001271208.2).
Identifiers: ClinVar variation 4077008 (VCV004077008.1).